The following is an entry in ClinVar:

ClinVar aggregate classification (germline): Likely benign. Review status: criteria provided, single submitter (1 of 4 stars). 2 submissions from 2 submitters: Likely benign (1). 1 of the submissions does not count toward it. Last evaluated 2022-08-01.

Conditions:
CABIN1-related disorder. Also called: CABIN1-related condition.

Allele frequency attached by ClinVar (database versions not stated): 1000 Genomes Project 30x 0.00078; 1000 Genomes Project 0.00080; TOPMed 0.00201; ExAC 0.00238; ESP Exome Variant Server 0.00261; gnomAD exomes 0.00333.
gnomAD v4.1: 5,161 of 1,614,108 alleles (0.32%); highest among the groups gnomAD compares: South Asian, 0.42%; 20 homozygotes.

Submissions (2):

CeGaT Center for Human Genetics Tuebingen
Classification: Likely benign. Last evaluated: 2022-08-01. Review status: criteria provided, single submitter. Criteria: CeGaT Center For Human Genetics Tuebingen Variant Classification Criteria Version 2. Collection method: clinical testing. Allele origin: germline. Affected: yes. Observed: 2 variant alleles.
Comment: CABIN1: BP4, BP7

PreventionGenetics, part of Exact Sciences
Classification: Likely benign for CABIN1-related condition. Last evaluated: 2019-05-07. Review status: no assertion criteria provided. Collection method: clinical testing. Allele origin: germline. Not counted in ClinVar's aggregate classification.
Comment: This variant is classified as likely benign based on ACMG/AMP sequence variant interpretation guidelines (Richards et al. 2015 PMID: 25741868, with internal and published modifications).

NM_012295.4(CABIN1):c.4710G>T (p.Gly1570=)

Gene: CABIN1 (calcineurin binding protein 1; plus strand). Cytogenetic location: 22q11.23.
Variant type: single nucleotide variant.
Coding change: c.4710G>T on transcript NM_012295.4 (MANE Select); coding-DNA position 4710, G replaced by T.
Protein change: p.Gly1570=; no amino-acid change (glycine 1570 retained).
Molecular consequence: synonymous variant.
Genome position (GRCh38, 1-based): chr22:24,134,379, G>T. VCF-style: chr22-24134379-G-T. GRCh37 (hg19) VCF-style: chr22-24530346-G-T.
Other names: c.4710G>T, p.Gly1570= (NM_001199281.1); c.4560G>T, p.Gly1520= (NM_001201429.2); c.4710G>T (NM_012295.3).
Identifiers: ClinVar variation 2652982 (VCV002652982.25), dbSNP rs143327637, ClinGen allele CA10149549.